The following is an entry in ClinVar:

NM_007294.4(BRCA1):c.5406+3A>G

Gene: BRCA1 (BRCA1 DNA repair associated; minus strand). Cytogenetic location: 17q21.31.
Variant type: single nucleotide variant.
Coding change: c.5406+3A>G on transcript NM_007294.4 (MANE Select); 3 bases into the intron after coding-DNA position 5406, A replaced by G.
Molecular consequence: intron variant.
Genome position (GRCh38, 1-based): chr17:43,049,118, T>C on the plus strand (A>G on the coding strand, the complement: BRCA1 is on the minus strand). VCF-style: chr17-43049118-T-C. GRCh37 (hg19) VCF-style: chr17-41201135-T-C.
Other names: c.5469+3A>G (NM_007300.4, NM_001407583.1, NM_001407587.1 and 1 more transcripts); c.5472+3A>G (NM_001407581.1, NM_001407582.1); c.4899+3A>G (NM_001407965.1); c.5139+3A>G (NM_001407930.1, NM_001407933.1, NM_001407927.1 and 4 more transcripts); c.5259+3A>G (NM_001407843.1, NM_001407847.1, NM_001407841.1 and 12 more transcripts); c.1956+3A>G (NM_001408456.1, NM_001408453.1, NM_001408455.1 and 3 more transcripts); c.5262+3A>G (NM_001407733.1, NM_001407751.1, NM_001407740.1 and 18 more transcripts); c.5192-1415A>G (NM_001407942.1); and 84 more.
Identifiers: ClinVar variation 865431 (VCV000865431.3), dbSNP rs397509278, ClinGen allele CA916080840.

Conditions:
Breast-ovarian cancer, familial, susceptibility to, 1 (BROVCA1). Also called: BRCA1 Hereditary Breast and Ovarian Cancer; OVARIAN CANCER, SUSCEPTIBILITY TO. Identifiers: Orphanet 145, MedGen C2676676, MONDO:0011450, OMIM 604370. Disease mechanism: loss of function.

Submission:

Brotman Baty Institute, University of Washington
No classification provided (evidence only). Condition: Breast-ovarian cancer, familial 1. Review status: no classification provided. Collection method: in vitro. Allele origin: not applicable. Functional consequence: functionally_normal.
ClinVar note: "not provided" was previously submitted as the classification for the variant. However, the classification appeared to be based only on an observation of functional data so it was converted to no classification on 2025-07-30.